The following is an entry in ClinVar:

NM_017866.6(TMEM70):c.*1052G>C

Gene: TMEM70 (transmembrane protein 70; plus strand). Cytogenetic location: 8q21.11.
Variant type: single nucleotide variant.
Coding change: c.*1052G>C on transcript NM_017866.6 (MANE Select); 1052 bases downstream of the stop codon, G replaced by C.
Molecular consequence: 3 prime UTR variant. On other transcripts: non-coding transcript variant (1).
Genome position (GRCh38, 1-based): chr8:73,982,673, G>C. VCF-style: chr8-73982673-G-C. GRCh37 (hg19) VCF-style: chr8-74894908-G-C.
Other names: c.*1525G>C (NM_001040613.3).
Identifiers: ClinVar variation 910723 (VCV000910723.4), dbSNP rs73335823, ClinGen allele CA4784288.

ClinVar aggregate classification (germline): Benign (1 of 4 stars; one submission).

Conditions:
Mitochondrial complex V (ATP synthase) deficiency, nuclear type 2. Also called: Nuclear-Encoded ATPase Deficiency, TMEM70-Related; ENCEPHALOCARDIOMYOPATHY, MITOCHONDRIAL, NEONATAL, DUE TO ATP SYNTHASE DEFICIENCY; MITOCHONDRIAL COMPLEX V (ATP SYNTHASE) DEFICIENCY, TMEM70 TYPE. Identifiers: Orphanet 1194, MedGen C3279699, MONDO:0013546, OMIM 614052.

Allele frequency attached by ClinVar (database versions not stated): gnomAD exomes 0.00089 and 0.00163; ExAC 0.00092; TOPMed 0.00711; 1000 Genomes Project 0.00819; 1000 Genomes Project 30x 0.00984.
gnomAD v4.1: 1,275 of 461,890 alleles (0.28%); highest among the groups gnomAD compares: African/African-American, 2.1%; 17 homozygotes.

Submission:

Illumina Laboratory Services, Illumina
Classification: Benign for Mitochondrial complex V (ATP synthase) deficiency, nuclear type 2. Last evaluated: 2017-04-27. Review status: criteria provided, single submitter. Criteria: ICSL Variant Classification Criteria 13 December 2019. Collection method: clinical testing. Allele origin: germline.
Comment: This variant was observed as part of a predisposition screen in an ostensibly healthy population. A literature search was performed for the gene, cDNA change, and amino acid change (where applicable). No publications were found based on this search. Allele frequency data from public databases was too high to be consistent with this variant causing disease. Therefore, this variant is classified as benign.